The following is an entry in ClinVar:

ClinVar aggregate classification (germline): Pathogenic (1 of 4 stars; one submission).

Submission:

Labcorp Genetics (formerly Invitae), Labcorp
Classification: Pathogenic. Last evaluated: 2020-01-31. Review status: criteria provided, single submitter. Criteria: Invitae Variant Classification Sherloc (09022015). Collection method: clinical testing. Allele origin: germline.
Comment: Algorithms developed to predict the effect of sequence changes on RNA splicing suggest that this variant may disrupt the consensus splice site, but this prediction has not been confirmed by published transcriptional studies. Loss-of-function variants in ABCC8 are known to be pathogenic (PMID: 20685672, 23345197). For these reasons, this variant has been classified as Pathogenic. This variant has not been reported in the literature in individuals with ABCC8-related conditions. This sequence change creates a premature translational stop signal (p.Gly50Aspfs*28) in the ABCC8 gene. It is expected to result in an absent or disrupted protein product. This variant is not present in population databases (ExAC no frequency).

Literature cited by the submitters: PubMed 20685672; PubMed 23345197.

NM_000352.6(ABCC8):c.148+1del

Gene: ABCC8 (ATP binding cassette subfamily C member 8; minus strand). Cytogenetic location: 11p15.1.
Variant type: Deletion.
Coding change: c.148+1del on transcript NM_000352.6 (MANE Select); the canonical splice donor site of the intron after coding-DNA position 148, one base deleted (G; older notation c.148+1delG).
Molecular consequence: splice donor variant.
Genome position (GRCh38, 1-based): chr11:17,476,628, C deleted on the plus strand (G on the coding strand, the reverse complement: ABCC8 is on the minus strand); the first of 2 consecutive C bases (chr11:17,476,628-17,476,629); deleting either gives the same sequence. VCF-style (leftmost placement, unchanged base first): chr11-17476627-AC-A. GRCh37 (hg19) VCF-style: chr11-17498174-AC-A.
Other names: c.148+1del (NM_001351297.2, NM_001351296.2, NM_001351295.2 and 1 more transcripts).
Identifiers: ClinVar variation 1071327 (VCV001071327.8), dbSNP rs2133737085, ClinGen allele CA2499220838.